The following is an entry in ClinVar:

ClinVar aggregate classification (germline): Uncertain significance. Review status: criteria provided, multiple submitters, no conflicts (2 of 4 stars). 2 submissions from 2 submitters: Uncertain significance (2). Last evaluated 2025-12-15.

Conditions:
Inborn genetic diseases. Identifiers: MedGen C0950123, MeSH D030342.

Allele frequency attached by ClinVar (database versions not stated): ExAC 0.00001; gnomAD 0.00001; gnomAD exomes 0.00001; TOPMed below 0.00001.
gnomAD v4.1: 22 of 1,614,110 alleles (0.0014%); highest among the groups gnomAD compares: Middle Eastern, 0.016%; no homozygotes.

Submissions (2):

Ambry Genetics
Classification: Uncertain significance for Inborn genetic diseases. Last evaluated: 2025-12-15. Review status: criteria provided, single submitter. Criteria: Ambry Variant Classification Scheme 2023. Collection method: clinical testing. Allele origin: germline.

Labcorp Genetics (formerly Invitae), Labcorp
Classification: Uncertain significance. Last evaluated: 2025-12-10. Review status: criteria provided, single submitter. Criteria: Invitae Variant Classification Sherloc (09022015). Collection method: clinical testing. Allele origin: germline.
Comment: This sequence change replaces isoleucine, which is neutral and non-polar, with valine, which is neutral and non-polar, at codon 465 of the C1S protein (p.Ile465Val). This variant is present in population databases (rs782766062, gnomAD 0.004%). This variant has not been reported in the literature in individuals affected with C1S-related conditions. ClinVar contains an entry for this variant (Variation ID: 1927306). Invitae Evidence Modeling of protein sequence and biophysical properties (such as structural, functional, and spatial information, amino acid conservation, physicochemical variation, residue mobility, and thermodynamic stability) indicates that this missense variant is not expected to disrupt C1S protein function with a negative predictive value of 80%. In summary, the available evidence is currently insufficient to determine the role of this variant in disease. Therefore, it has been classified as a Variant of Uncertain Significance.

NM_001734.5(C1S):c.1393A>G (p.Ile465Val)

Gene: C1S (complement C1s; plus strand). Cytogenetic location: 12p13.31.
Variant type: single nucleotide variant.
Coding change: c.1393A>G on transcript NM_001734.5 (MANE Select); coding-DNA position 1393, A replaced by G.
Protein change: p.Ile465Val; replaces isoleucine 465 with valine.
Molecular consequence: missense variant.
Genome position (GRCh38, 1-based): chr12:7,069,977, A>G. VCF-style: chr12-7069977-A-G. GRCh37 (hg19) VCF-style: chr12-7177281-A-G.
Other names: c.1393A>G (NM_201442.2); c.892A>G, p.Ile298Val (NM_001346850.2); c.1393A>G, p.Ile465Val (NM_201442.4); short protein forms I465V, I298V.
Identifiers: ClinVar variation 1927306 (VCV001927306.6), dbSNP rs782766062, ClinGen allele CA6423782.